The following is an entry in ClinVar:

ClinVar aggregate classification (germline): Likely pathogenic (1 of 4 stars; one submission).

Conditions:
Cardiovascular phenotype. Identifiers: MedGen CN230736.

Submission:

Ambry Genetics
Classification: Likely pathogenic for Cardiovascular phenotype. Last evaluated: 2025-07-03. Review status: criteria provided, single submitter. Criteria: Ambry Variant Classification Scheme 2023. Collection method: clinical testing. Allele origin: germline.
Comment: The c.1061T>A (p.I354N) alteration is located in exon 2 (coding exon 1) of the KCND3 gene. This alteration results from a T to A substitution at nucleotide position 1061, causing the isoleucine (I) at amino acid position 354 to be replaced by an asparagine (N). This variant was not reported in population-based cohorts in the Genome Aggregation Database (gnomAD). This amino acid position is highly conserved in available vertebrate species. This missense alteration is located in a region that has a low rate of benign missense variation (Lek, 2016; Firth, 2009). This alteration is predicted to be deleterious by in silico analysis. Based on the available evidence, this alteration is classified as likely pathogenic.

NM_001378969.1(KCND3):c.1061T>A (p.Ile354Asn)

Gene: KCND3 (potassium voltage-gated channel subfamily D member 3; minus strand). Cytogenetic location: 1p13.2.
Variant type: single nucleotide variant.
Coding change: c.1061T>A on transcript NM_001378969.1 (MANE Select); coding-DNA position 1061, T replaced by A.
Protein change: p.Ile354Asn; replaces isoleucine 354 with asparagine.
Molecular consequence: missense variant.
Genome position (GRCh38, 1-based): chr1:111,981,666, A>T on the plus strand (T>A on the coding strand, the complement: KCND3 is on the minus strand). VCF-style: chr1-111981666-A-T. GRCh37 (hg19) VCF-style: chr1-112524288-A-T.
Other names: c.1061T>A, p.Ile354Asn (NM_001378970.1, NM_004980.5, NM_172198.3); short protein forms I354N.
Identifiers: ClinVar variation 4041484 (VCV004041484.2).
Genomic context (GRCh38, chr1:111,981,666, plus strand): 5'-CCAGCGCTGACTTACCCCAGTGTGGTCATGGTGACAATGGTGTACCAAAACGAGGCAGGG[A>T]TGCTTGTGAACTTGCTGGCCGAGGAGCCCTTCTCGGCATAAAACATCACAGTGGCAAAGA-3'
Protein context (NP_001365898.1, residues 344-364): KGSSASKFTS[Ile354Asn]PASFWYTIVT